The following is an entry in ClinVar:

ClinVar aggregate classification (germline): Uncertain significance (1 of 4 stars; one submission).

gnomAD v4.1: 36 of 1,613,256 alleles (0.0022%); highest among the groups gnomAD compares: Non-Finnish European, 0.0027%; no homozygotes.

Submission:

Labcorp Genetics (formerly Invitae), Labcorp
Classification: Uncertain significance. Last evaluated: 2024-02-16. Review status: criteria provided, single submitter. Criteria: Invitae Variant Classification Sherloc (09022015). Collection method: clinical testing. Allele origin: germline.
Comment: This sequence change replaces histidine, which is basic and polar, with arginine, which is basic and polar, at codon 266 of the LIPC protein (p.His266Arg). This variant is present in population databases (rs765135409, gnomAD 0.003%). This variant has not been reported in the literature in individuals affected with LIPC-related conditions. An algorithm developed to predict the effect of missense changes on protein structure and function (PolyPhen-2) suggests that this variant is likely to be tolerated. In summary, the available evidence is currently insufficient to determine the role of this variant in disease. Therefore, it has been classified as a Variant of Uncertain Significance.

NM_000236.3(LIPC):c.797A>G (p.His266Arg)

Gene: LIPC (lipase C, hepatic type; plus strand). Cytogenetic location: 15q21.3.
Variant type: single nucleotide variant.
Coding change: c.797A>G on transcript NM_000236.3 (MANE Select); coding-DNA position 797, A replaced by G.
Protein change: p.His266Arg; replaces histidine 266 with arginine.
Molecular consequence: missense variant.
Genome position (GRCh38, 1-based): chr15:58,545,964, A>G. VCF-style: chr15-58545964-A-G. GRCh37 (hg19) VCF-style: chr15-58838163-A-G.
Other names: short protein forms H266R.
Identifiers: ClinVar variation 3628923 (VCV003628923.2).